The following is an entry in ClinVar:

NM_007272.3(CTRC):c.355C>G (p.Arg119Gly)

Gene: CTRC (chymotrypsin C; plus strand). Cytogenetic location: 1p36.21.
Variant type: single nucleotide variant.
Coding change: c.355C>G on transcript NM_007272.3 (MANE Select); coding-DNA position 355, C replaced by G.
Protein change: p.Arg119Gly; replaces arginine 119 with glycine.
Molecular consequence: missense variant.
Genome position (GRCh38, 1-based): chr1:15,442,571, C>G. VCF-style: chr1-15442571-C-G. GRCh37 (hg19) VCF-style: chr1-15769067-C-G.
Other names: c.355C>G (NM_007272.2); short protein forms R119G.
Identifiers: ClinVar variation 1926887 (VCV001926887.7), dbSNP rs768853400, ClinGen allele CA613317.

ClinVar aggregate classification (germline): Uncertain significance. Review status: criteria provided, multiple submitters, no conflicts (2 of 4 stars). 2 submissions from 2 submitters: Uncertain significance (2). Last evaluated 2023-08-07.

Conditions:
Hereditary pancreatitis (PCTT). Also called: Hereditary chronic pancreatitis; PRSS1-Related Hereditary Pancreatitis. Identifiers: Orphanet 676, MedGen C0238339, MONDO:0008185, OMIM 167800.

gnomAD v4.1: 2 of 1,613,920 alleles (0.00012%); highest among the groups gnomAD compares: East Asian, 0.0045%; no homozygotes.

Submissions (2):

Ambry Genetics
Classification: Uncertain significance for Hereditary pancreatitis. Last evaluated: 2023-08-07. Review status: criteria provided, single submitter. Criteria: Ambry Variant Classification Scheme 2023. Collection method: clinical testing. Allele origin: germline.
Comment: The p.R119G variant (also known as c.355C>G), located in coding exon 4 of the CTRC gene, results from a C to G substitution at nucleotide position 355. The arginine at codon 119 is replaced by glycine, an amino acid with dissimilar properties. This amino acid position is not well conserved in available vertebrate species. In addition, this alteration is predicted to be tolerated by in silico analysis. Since supporting evidence is limited at this time, the clinical significance of this alteration remains unclear.

Labcorp Genetics (formerly Invitae), Labcorp
Classification: Uncertain significance for Hereditary pancreatitis. Last evaluated: 2022-06-30. Review status: criteria provided, single submitter. Criteria: Invitae Variant Classification Sherloc (09022015). Collection method: clinical testing. Allele origin: germline.
Comment: In summary, the available evidence is currently insufficient to determine the role of this variant in disease. Therefore, it has been classified as a Variant of Uncertain Significance. Algorithms developed to predict the effect of missense changes on protein structure and function (SIFT, PolyPhen-2, Align-GVGD) all suggest that this variant is likely to be tolerated. This variant has not been reported in the literature in individuals affected with CTRC-related conditions. This variant is present in population databases (rs768853400, gnomAD 0.01%). This sequence change replaces arginine, which is basic and polar, with glycine, which is neutral and non-polar, at codon 119 of the CTRC protein (p.Arg119Gly).